The following is an entry in ClinVar:

ClinVar aggregate classification (germline): Uncertain significance. Review status: criteria provided, single submitter (1 of 4 stars). 2 submissions from 2 submitters: Uncertain significance (1). 1 of the submissions does not count toward it. Last evaluated 2021-08-31.

Conditions:
Schimke immuno-osseous dysplasia (SIOD). Also called: Schimke Immunoosseous Dysplasia. Identifiers: Orphanet 1830, MedGen C0877024, MONDO:0009458, OMIM 242900.

gnomAD v4.1: 2 of 1,613,472 alleles (0.00012%); highest among the groups gnomAD compares: Non-Finnish European, 0.00017%; no homozygotes.

Submissions (2):

Labcorp Genetics (formerly Invitae), Labcorp
Classification: Uncertain significance for Schimke immuno-osseous dysplasia. Last evaluated: 2021-08-31. Review status: criteria provided, single submitter. Criteria: Invitae Variant Classification Sherloc (09022015). Collection method: clinical testing. Allele origin: germline.
Comment: This sequence change replaces lysine with glutamine at codon 695 of the SMARCAL1 protein (p.Lys695Gln). The lysine residue is moderately conserved and there is a small physicochemical difference between lysine and glutamine. This variant is not present in population databases (ExAC no frequency). This variant has not been reported in the literature in individuals affected with SMARCAL1-related conditions. Algorithms developed to predict the effect of missense changes on protein structure and function are either unavailable or do not agree on the potential impact of this missense change (SIFT: "Tolerated"; PolyPhen-2: "Probably Damaging"; Align-GVGD: "Class C0"). In summary, the available evidence is currently insufficient to determine the role of this variant in disease. Therefore, it has been classified as a Variant of Uncertain Significance.

Natera, Inc.
Classification: Uncertain significance for Schimke immuno-osseous dysplasia. Last evaluated: 2020-08-19. Review status: no assertion criteria provided. Collection method: clinical testing. Allele origin: germline. Not counted in ClinVar's aggregate classification.

NM_014140.4(SMARCAL1):c.2083A>C (p.Lys695Gln)

Gene: SMARCAL1 (SNF2 related chromatin remodeling annealing helicase 1; plus strand). Cytogenetic location: 2q35.
Variant type: single nucleotide variant.
Coding change: c.2083A>C on transcript NM_014140.4 (MANE Select); coding-DNA position 2083, A replaced by C.
Protein change: p.Lys695Gln; replaces lysine 695 with glutamine.
Molecular consequence: missense variant.
Genome position (GRCh38, 1-based): chr2:216,464,609, A>C. VCF-style: chr2-216464609-A-C. GRCh37 (hg19) VCF-style: chr2-217329332-A-C.
Other names: c.2083A>C, p.Lys695Gln (NM_001127207.2); short protein forms K695Q.
Identifiers: ClinVar variation 937528 (VCV000937528.9), dbSNP rs1694788304, ClinGen allele CA350502629.